The following is an entry in ClinVar:

NM_004840.3(ARHGEF6):c.1231T>C (p.Phe411Leu)

Gene: ARHGEF6 (Rac/Cdc42 guanine nucleotide exchange factor 6; minus strand). Cytogenetic location: Xq26.3.
Variant type: single nucleotide variant.
Coding change: c.1231T>C on transcript NM_004840.3 (MANE Select); coding-DNA position 1231, T replaced by C.
Protein change: p.Phe411Leu; replaces phenylalanine 411 with leucine.
Molecular consequence: missense variant.
Genome position (GRCh38, 1-based): chrX:136,687,946, A>G on the plus strand (T>C on the coding strand, the complement: ARHGEF6 is on the minus strand). VCF-style: chrX-136687946-A-G. GRCh37 (hg19) VCF-style: chrX-135770105-A-G.
Other names: c.1231T>C, p.Phe411Leu (NM_001440996.1, NM_001440993.1, NM_001440995.1); c.1060T>C, p.Phe354Leu (NM_001440997.1, NM_001440998.1); c.769T>C, p.Phe257Leu (NM_001306177.2); c.1312T>C, p.Phe438Leu (NM_001440994.1); short protein forms F257L, F354L, F411L, F438L.
Identifiers: ClinVar variation 5021042 (VCV005021042.1).

ClinVar aggregate classification (germline): Uncertain significance (1 of 4 stars; one submission).

Submission:

Dasa
Classification: Uncertain significance. Last evaluated: 2026-07-29. Review status: criteria provided, single submitter. Criteria: DASA Assertion Criteria. Collection method: clinical testing. Allele origin: germline.
Comment: NM_004840.3(ARHGEF6):c.1231T>C (p.Phe411Leu) is a missense variant that results in the substitution of phenylalanine with leucine. This variant is rare in population databases. The currently available literature and clinical evidence are not sufficient to establish a definitive association between this variant and the reported condition. Therefore, this variant is classified as a variant of uncertain significance.